The following is an entry in ClinVar:

ClinVar aggregate classification (germline): Likely pathogenic (1 of 4 stars; one submission).

Submission:

GeneDx
Classification: Likely pathogenic. Last evaluated: 2017-07-05. Review status: criteria provided, single submitter. Criteria: GeneDx Variant Classification (06012015). Collection method: clinical testing. Allele origin: germline. Affected: yes.
Comment: The c.2746dupA variant in the MPDZ gene has not been reported previously as a pathogenic variant nor as a benign variant, to our knowledge. The c.2746dupA variant causes a frameshift starting with codon Threonine 916, changes this amino acid to an Asparagine residue, and creates a premature Stop codon at position 18 of the new reading frame, denoted p.Thr916AsnfsX18. This variant is predicted to cause loss of normal protein function either through protein truncation or nonsense-mediated mRNA decay. The c.2746dupA variant is not observed in large population cohorts (Lek et al., 2016; 1000 Genomes Consortium et al., 2015; Exome Variant Server). We interpret c.2746dupA as a likely pathogenic variant.

NM_001378778.1(MPDZ):c.2746dup (p.Thr916fs)

Gene: MPDZ (multiple PDZ domain crumbs cell polarity complex component; minus strand). Cytogenetic location: 9p23.
Variant type: Duplication.
Coding change: c.2746dup on transcript NM_001378778.1 (MANE Select); coding-DNA position 2746, one base duplicated (A; older notation c.2746dupA).
Protein change: p.Thr916fs; shifts the reading frame from threonine 916.
Molecular consequence: frameshift variant.
Genome position (GRCh38, 1-based): chr9:13,176,321, T duplicated on the plus strand (A on the coding strand, the reverse complement: MPDZ is on the minus strand). VCF-style (leftmost placement, unchanged base first): chr9-13176320-G-GT. GRCh37 (hg19) VCF-style: chr9-13176319-G-GT.
Other names: c.2746dup, p.Thr916fs (NM_001261406.2, NM_001261407.2, NM_001330637.2 and 14 more transcripts); c.2746dupA (NM_003829.4); short protein forms T916fs.
Identifiers: ClinVar variation 450405 (VCV000450405.2), dbSNP rs1554678324, ClinGen allele CA658657860.